The following is an entry in ClinVar:

ClinVar aggregate classification (germline): Pathogenic (1 of 4 stars; one submission).

Submission:

Quest Diagnostics Nichols Institute San Juan Capistrano
Classification: Pathogenic. Last evaluated: 2024-03-21. Review status: criteria provided, single submitter. Criteria: Quest Diagnostics criteria. Collection method: clinical testing. Allele origin: unknown.
Comment: The FLCN c.1489dup (p.Val497Glyfs*24) variant alters the translational reading frame of the FLCN mRNA and causes the premature termination of FLCN protein synthesis. This variant has not been reported in individuals with FLCN-related conditions in the published literature. This variant has not been reported in large, multi-ethnic general populations (Genome Aggregation Database). Based on the available information, this variant is classified as pathogenic.

NM_144997.7(FLCN):c.1489dup (p.Val497fs)

Gene: FLCN (folliculin; minus strand). Cytogenetic location: 17p11.2.
Variant type: Duplication.
Coding change: c.1489dup on transcript NM_144997.7 (MANE Select); coding-DNA position 1489, one base duplicated (G; older notation c.1489dupG).
Protein change: p.Val497fs; shifts the reading frame from valine 497.
Molecular consequence: frameshift variant.
Genome position (GRCh38, 1-based): chr17:17,215,034, C duplicated on the plus strand (G on the coding strand, the reverse complement: FLCN is on the minus strand). VCF-style (leftmost placement, unchanged base first): chr17-17215033-A-AC. GRCh37 (hg19) VCF-style: chr17-17118347-A-AC.
Other names: c.1543dup, p.Val515fs (NM_001353229.2); c.1489dup, p.Val497fs (NM_001353230.2, NM_001353231.2); short protein forms V515fs, V497fs.
Identifiers: ClinVar variation 3572322 (VCV003572322.1).